The following is an entry in ClinVar:

NM_001253697.2(ERBIN):c.3878A>T (p.Tyr1293Phe)

Gene: ERBIN (erbb2 interacting protein; plus strand). Cytogenetic location: 5q12.3.
Variant type: single nucleotide variant.
Coding change: c.3878A>T on transcript NM_001253697.2 (MANE Select); coding-DNA position 3878, A replaced by T.
Protein change: p.Tyr1293Phe; replaces tyrosine 1293 with phenylalanine.
Molecular consequence: missense variant. On other transcripts: intron variant (1).
Genome position (GRCh38, 1-based): chr5:66,075,145, A>T. VCF-style: chr5-66075145-A-T. GRCh37 (hg19) VCF-style: chr5-65370973-A-T.
Other names: c.3755A>T, p.Tyr1252Phe (NM_018695.4, NM_001253698.2); c.3634-1171A>T (NM_001006600.3); c.3899A>T, p.Tyr1300Phe (NM_001253699.2); c.3743A>T, p.Tyr1248Phe (NM_001253701.2); short protein forms Y1252F, Y1300F, Y1293F, Y1248F.
Identifiers: ClinVar variation 161721 (VCV000161721.2), dbSNP rs193921009, ClinGen allele CA174662.

ClinVar aggregate classification (germline): Uncertain significance (0 of 4 stars; one submission).

Conditions:
Prostate cancer. Also called: Malignant tumor of prostate. Identifiers: Orphanet 1331, MedGen C0376358, MONDO:0008315, HP:0012125.

Submission:

Science for Life laboratory,  Karolinska Institutet
Classification: Uncertain significance for Malignant tumor of prostate. Review status: no assertion criteria provided. Collection method: not provided. Allele origin: somatic.
Comment: TumorID:SWE-5
ClinVar note: Converted during submission from Unknown to Uncertain significance.